The following is an entry in ClinVar:

NM_001031725.6(DDX59):c.1538G>A (p.Ser513Asn)

Gene: DDX59 (DEAD-box helicase 59; minus strand). Cytogenetic location: 1q32.1.
Variant type: single nucleotide variant.
Coding change: c.1538G>A on transcript NM_001031725.6 (MANE Select); coding-DNA position 1538, G replaced by A.
Protein change: p.Ser513Asn; replaces serine 513 with asparagine.
Molecular consequence: missense variant. On other transcripts: intron variant (2).
Genome position (GRCh38, 1-based): chr1:200,648,497, C>T on the plus strand (G>A on the coding strand, the complement: DDX59 is on the minus strand). VCF-style: chr1-200648497-C-T. GRCh37 (hg19) VCF-style: chr1-200617625-C-T.
Other names: c.1538G>A, p.Ser513Asn (NM_001320181.2, NM_001349799.3, NM_001349800.3 and 1 more transcripts); c.1196G>A, p.Ser399Asn (NM_001320182.1); c.1286G>A, p.Ser429Asn (NM_001349803.3); c.1063-3980G>A (NM_001349804.2); c.1467+577G>A (NM_001349801.3); short protein forms S513N, S399N, S429N.
Identifiers: ClinVar variation 728607 (VCV000728607.13), dbSNP rs142176836, ClinGen allele CA1318240.

ClinVar aggregate classification (germline): Benign. Review status: criteria provided, single submitter (1 of 4 stars). 2 submissions from 2 submitters: Benign (1). 1 of the submissions does not count toward it. Last evaluated 2026-01-26.

Conditions:
DDX59-related disorder. Also called: DDX59-related condition.

Allele frequency attached by ClinVar (database versions not stated): ESP Exome Variant Server 0.00031; TOPMed 0.00038; 1000 Genomes Project 30x 0.00047; 1000 Genomes Project 0.00060; ExAC 0.00226; gnomAD exomes 0.00264; gnomAD 0.00337.

Submissions (4):

Labcorp Genetics (formerly Invitae), Labcorp
Classification: Benign. Last evaluated: 2026-01-26. Review status: criteria provided, single submitter. Criteria: Invitae Variant Classification Sherloc (09022015). Collection method: clinical testing. Allele origin: germline.

PreventionGenetics, part of Exact Sciences
Classification: Benign for DDX59-related condition. Last evaluated: 2019-08-12. Review status: no assertion criteria provided. Collection method: clinical testing. Allele origin: germline. Not counted in ClinVar's aggregate classification.
Comment: This variant is classified as benign based on ACMG/AMP sequence variant interpretation guidelines (Richards et al. 2015 PMID: 25741868, with internal and published modifications).

Dr. Peter K. Rogan Lab, Western University
No classification provided (evidence only). Condition: Gastric cancer. Review status: no classification provided. Collection method: in vitro. Allele origin: not applicable. Functional consequence: retained intron. Not counted in ClinVar's aggregate classification.

Dr. Peter K. Rogan Lab, Western University
No classification provided (evidence only). Condition: Gastric cancer. Review status: no classification provided. Collection method: in vitro. Allele origin: not applicable. Functional consequence: retained intron. Not counted in ClinVar's aggregate classification.